The following is an entry in ClinVar:

ClinVar aggregate classification (germline): Uncertain significance (1 of 4 stars; one submission).

Conditions:
Congenital myasthenic syndrome 2A. Also called: Myasthenic syndrome, congenital, 2a, slow-channel. Identifiers: Orphanet 590, MedGen C4225374, MONDO:0014581, OMIM 616313.

gnomAD v4.1: 1 of 1,613,496 alleles (0.000062%); highest among the groups gnomAD compares: Non-Finnish European, 0.000085%; no homozygotes.

Submission:

Labcorp Genetics (formerly Invitae), Labcorp
Classification: Uncertain significance for Congenital myasthenic syndrome 2A. Last evaluated: 2024-07-08. Review status: criteria provided, single submitter. Criteria: Invitae Variant Classification Sherloc (09022015). Collection method: clinical testing. Allele origin: germline.
Comment: This sequence change falls in intron 3 of the CHRNB1 gene. It does not directly change the encoded amino acid sequence of the CHRNB1 protein. It affects a nucleotide within the consensus splice site. This variant is not present in population databases (gnomAD no frequency). This variant has not been reported in the literature in individuals affected with CHRNB1-related conditions. Variants that disrupt the consensus splice site are a relatively common cause of aberrant splicing (PMID: 17576681, 9536098). Algorithms developed to predict the effect of sequence changes on RNA splicing suggest that this variant is not likely to affect RNA splicing. In summary, the available evidence is currently insufficient to determine the role of this variant in disease. Therefore, it has been classified as a Variant of Uncertain Significance.

Literature cited by the submitters: PubMed 17576681; PubMed 9536098.

NM_000747.3(CHRNB1):c.243+4T>A

Gene: CHRNB1 (cholinergic receptor nicotinic beta 1 subunit; plus strand). Cytogenetic location: 17p13.1.
Variant type: single nucleotide variant.
Coding change: c.243+4T>A on transcript NM_000747.3 (MANE Select); 4 bases into the intron after coding-DNA position 243, T replaced by A.
Molecular consequence: intron variant.
Genome position (GRCh38, 1-based): chr17:7,446,117, T>A. VCF-style: chr17-7446117-T-A. GRCh37 (hg19) VCF-style: chr17-7349436-T-A.
Identifiers: ClinVar variation 3609200 (VCV003609200.2).